The following is an entry in ClinVar:

ClinVar aggregate classification (germline): Uncertain significance. Review status: criteria provided, multiple submitters, no conflicts (2 of 4 stars). 2 submissions from 2 submitters: Uncertain significance (2). Last evaluated 2025-12-09.

Conditions:
Cardiovascular phenotype. Identifiers: MedGen CN230736.
Dilated cardiomyopathy 1J (CMD1J). Also called: CARDIOMYOPATHY, DILATED, WITH SENSORINEURAL HEARING LOSS, AUTOSOMAL DOMINANT. Identifiers: Orphanet 217622, MedGen C1854368, MONDO:0011541, OMIM 605362.

Allele frequency attached by ClinVar (database versions not stated): TOPMed below 0.00001.

Submissions (2):

Labcorp Genetics (formerly Invitae), Labcorp
Classification: Uncertain significance for Dilated cardiomyopathy 1J. Last evaluated: 2025-12-09. Review status: criteria provided, single submitter. Criteria: Invitae Variant Classification Sherloc (09022015). Collection method: clinical testing. Allele origin: germline.
Comment: This sequence change replaces tyrosine, which is neutral and polar, with histidine, which is basic and polar, at codon 238 of the EYA4 protein (p.Tyr238His). This variant is not present in population databases (gnomAD no frequency). This variant has not been reported in the literature in individuals affected with EYA4-related conditions. ClinVar contains an entry for this variant (Variation ID: 2496945). Invitae Evidence Modeling of protein sequence and biophysical properties (such as structural, functional, and spatial information, amino acid conservation, physicochemical variation, residue mobility, and thermodynamic stability) indicates that this missense variant is not expected to disrupt EYA4 protein function with a negative predictive value of 80%. In summary, the available evidence is currently insufficient to determine the role of this variant in disease. Therefore, it has been classified as a Variant of Uncertain Significance.

Ambry Genetics
Classification: Uncertain significance for Cardiovascular phenotype. Last evaluated: 2025-06-07. Review status: criteria provided, single submitter. Criteria: Ambry Variant Classification Scheme 2023. Collection method: clinical testing. Allele origin: germline.
Comment: The p.Y238H variant (also known as c.712T>C), located in coding exon 8 of the EYA4 gene, results from a T to C substitution at nucleotide position 712. The tyrosine at codon 238 is replaced by histidine, an amino acid with similar properties. This amino acid position is conserved. In addition, this alteration is predicted to be deleterious by in silico analysis. Since supporting evidence is limited at this time, the clinical significance of this alteration remains unclear.

NM_004100.5(EYA4):c.712T>C (p.Tyr238His)

Gene: EYA4 (EYA transcriptional coactivator and phosphatase 4; plus strand). Cytogenetic location: 6q23.2.
Variant type: single nucleotide variant.
Coding change: c.712T>C on transcript NM_004100.5 (MANE Select); coding-DNA position 712, T replaced by C.
Protein change: p.Tyr238His; replaces tyrosine 238 with histidine.
Molecular consequence: missense variant.
Genome position (GRCh38, 1-based): chr6:133,462,752, T>C. VCF-style: chr6-133462752-T-C. GRCh37 (hg19) VCF-style: chr6-133783890-T-C.
Other names: c.550T>C, p.Tyr184His (NM_001301012.2, NM_001370459.1); c.712T>C, p.Tyr238His (NM_001301013.2, NM_172105.4); c.643T>C, p.Tyr215His (NM_001370458.1, NM_172103.4); short protein forms Y184H, Y215H, Y238H.
Identifiers: ClinVar variation 2496945 (VCV002496945.6), dbSNP rs1794512932, ClinGen allele CA365699741.